The following is an entry in ClinVar:

ClinVar aggregate classification (germline): Benign (1 of 4 stars; one submission).

Allele frequency attached by ClinVar (database versions not stated): gnomAD 0.46211 and 0.46285; gnomAD exomes 0.53452.

Submission:

GeneDx
Classification: Benign. Last evaluated: 2018-06-20. Review status: criteria provided, single submitter. Criteria: GeneDx Variant Classification (06012015). Collection method: clinical testing. Allele origin: germline. Affected: yes.
Comment: This variant is considered likely benign or benign based on one or more of the following criteria: it is a conservative change, it occurs at a poorly conserved position in the protein, it is predicted to be benign by multiple in silico algorithms, and/or has population frequency not consistent with disease.

NM_006231.4(POLE):c.63-139_63-135del

Gene: POLE (DNA polymerase epsilon, catalytic subunit; minus strand). Cytogenetic location: 12q24.33.
Variant type: Deletion.
Coding change: c.63-139_63-135del on transcript NM_006231.4 (MANE Select); 139 bases into the intron before coding-DNA position 63 through 135 bases into the intron before coding-DNA position 63, 5 bases deleted (TGAGC; older notation c.63-139_63-135delTGAGC).
Molecular consequence: intron variant.
Genome position (GRCh38, 1-based): chr12:132,681,414-132,681,418, GCTCA deleted on the plus strand (TGAGC on the coding strand, the reverse complement: POLE is on the minus strand). VCF-style (leftmost placement, unchanged base first): chr12-132681413-GGCTCA-G. GRCh37 (hg19) VCF-style: chr12-133257999-GGCTCA-G.
Identifiers: ClinVar variation 676486 (VCV000676486.1), dbSNP rs5744732, ClinGen allele CA246303806.